The following is an entry in ClinVar:

ClinVar aggregate classification (germline): Uncertain significance. Review status: criteria provided, multiple submitters, no conflicts (2 of 4 stars). 3 submissions from 3 submitters: Uncertain significance (3). Last evaluated 2022-09-30.

Conditions:
Inborn genetic diseases. Identifiers: MedGen C0950123, MeSH D030342.
Charcot-Marie-Tooth disease axonal type 2O. Also called: CHARCOT-MARIE-TOOTH NEUROPATHY, AXONAL, TYPE 2O; CHARCOT-MARIE-TOOTH DISEASE, AXONAL, AUTOSOMAL DOMINANT, TYPE 2O; Charcot-Marie-Tooth Neuropathy Type 2O; Charcot-Marie-Tooth disease, axonal, type 20. Identifiers: Orphanet 284232, MedGen C3280220, MONDO:0013644, OMIM 614228.

Submissions (3):

Ambry Genetics
Classification: Uncertain significance for Inborn genetic diseases. Last evaluated: 2022-09-30. Review status: criteria provided, single submitter. Criteria: Ambry Variant Classification Scheme 2023. Collection method: clinical testing. Allele origin: germline.
Comment: The c.283_285delGAA (p.E95del) alteration is located in exon 2 (coding exon 2) of the DYNC1H1 gene. This alteration consists of an in-frame deletion of 3 nucleotides between nucleotide positions c.283 and c.285, resulting in the deletion of <NA> residues. Based on insufficient or conflicting evidence, the clinical significance of this alteration remains unclear.

Labcorp Genetics (formerly Invitae), Labcorp
Classification: Uncertain significance for Charcot-Marie-Tooth disease axonal type 2O. Last evaluated: 2022-09-14. Review status: criteria provided, single submitter. Criteria: Invitae Variant Classification Sherloc (09022015). Collection method: clinical testing. Allele origin: germline.
Comment: In summary, the available evidence is currently insufficient to determine the role of this variant in disease. Therefore, it has been classified as a Variant of Uncertain Significance. Experimental studies and prediction algorithms are not available or were not evaluated, and the functional significance of this variant is currently unknown. ClinVar contains an entry for this variant (Variation ID: 1321590). This variant has not been reported in the literature in individuals affected with DYNC1H1-related conditions. This variant is present in population databases (no rsID available, gnomAD 0.003%). This variant, c.283_285del, results in the deletion of 1 amino acid(s) of the DYNC1H1 protein (p.Glu95del), but otherwise preserves the integrity of the reading frame.

GeneDx
Classification: Uncertain significance. Last evaluated: 2021-05-13. Review status: criteria provided, single submitter. Criteria: GeneDx Variant Classification Process June 2021. Collection method: clinical testing. Allele origin: germline. Affected: yes.
Comment: In-frame deletion of 1 amino acid in a non-repeat region; In silico analysis supports a deleterious effect on protein structure/function; Has not been previously published as pathogenic or benign to our knowledge

NM_001376.5(DYNC1H1):c.277GAA[2] (p.Glu95del)

Gene: DYNC1H1 (dynein cytoplasmic 1 heavy chain 1; plus strand). Cytogenetic location: 14q32.31.
Variant type: Microsatellite.
Coding change: c.277GAA[2] on transcript NM_001376.5 (MANE Select); two copies in a row of the 3-base unit GAA starting at c.277; the reference has three copies in a row; one copy, 3 bases deleted.
Protein change: p.Glu95del; deletes glutamic acid 95.
Molecular consequence: inframe deletion.
Genome position (GRCh38, 1-based): chr14:101,975,738-101,975,740, GAA deleted; deleting any 3 consecutive bases within chr14:101,975,731-101,975,740 gives the same sequence; the position shown is the placement nearest the transcript's 3' end. VCF-style (leftmost placement, unchanged base first): chr14-101975730-GAGA-G. GRCh37 (hg19) VCF-style: chr14-102442067-GAGA-G.
Other names: c.283_285delGAA (NM_001376.4); short protein forms E95del.
Identifiers: ClinVar variation 1321590 (VCV001321590.8), dbSNP rs913021962, ClinGen allele CA266970281.
Genomic context (GRCh38, chr14:101,975,730, plus strand): 5'-GAAATGTTGATATTAATTTGATATATTTATTATGATTTGTAGAGGACGTCGGTGATGAAG[GAGA>G]AGAAGAAAAAGAATTCATTTCCTATAACATCAACATAGACATTCATTATGGGGTTAAATC-3'